The following is an entry in ClinVar:

ClinVar aggregate classification (germline): Uncertain significance (1 of 4 stars; one submission).

Conditions:
Cardiomyopathy (CMYO). Also called: Cardiomyopathies. Identifiers: Orphanet 167848, MedGen C0878544, MONDO:0004994, HP:0001638. Inheritance: Various modes of inheritance.

gnomAD v4.1: 1 of 1,596,900 alleles (0.000063%); no homozygotes.

Submission:

Color Diagnostics, LLC DBA Color Health
Classification: Uncertain significance for Cardiomyopathy. Last evaluated: 2025-07-07. Review status: criteria provided, single submitter. Criteria: ACMG Guidelines, 2015. Collection method: clinical testing. Allele origin: germline.
Comment: This missense variant replaces aspartic acid with glutamic acid at codon 378 of the RYR2 protein. Computational prediction is inconclusive regarding the impact of this variant on protein structure and function. To our knowledge, functional studies have not been reported for this variant. This variant has not been reported in individuals affected with RYR2-related disorders in the literature. This variant has not been identified in the general population by the Genome Aggregation Database (gnomAD). The available evidence is insufficient to determine the role of this variant in disease conclusively. Therefore, this variant is classified as a Variant of Uncertain Significance.

NM_001035.3(RYR2):c.1134C>G (p.Asp378Glu)

Gene: RYR2 (ryanodine receptor 2; plus strand). Cytogenetic location: 1q43.
Variant type: single nucleotide variant.
Coding change: c.1134C>G on transcript NM_001035.3 (MANE Select); coding-DNA position 1134, C replaced by G.
Protein change: p.Asp378Glu; replaces aspartic acid 378 with glutamic acid.
Molecular consequence: missense variant.
Genome position (GRCh38, 1-based): chr1:237,441,447, C>G. VCF-style: chr1-237441447-C-G. GRCh37 (hg19) VCF-style: chr1-237604747-C-G.
Other names: short protein forms D378E.
Identifiers: ClinVar variation 4757558 (VCV004757558.1).